The following is an entry in ClinVar:

NM_001164508.2(NEB):c.17196_17200del (p.Ile5732fs)

Gene: NEB (nebulin; minus strand). Cytogenetic location: 2q23.3.
Variant type: Deletion.
Coding change: c.17196_17200del on transcript NM_001164508.2 (MANE Select); coding-DNA positions 17196 to 17200, 5 bases deleted (CCGCT; older notation c.17196_17200delCCGCT).
Protein change: p.Ile5732fs; shifts the reading frame from isoleucine 5732.
Molecular consequence: frameshift variant.
Genome position (GRCh38, 1-based): chr2:151,570,311-151,570,315, AGCGG deleted on the plus strand (CCGCT on the coding strand, the reverse complement: NEB is on the minus strand); deleting any 5 consecutive bases within chr2:151,570,311-151,570,316 gives the same sequence; the c. name uses the placement nearest the transcript's 3' end. VCF-style (leftmost placement, unchanged base first): chr2-151570310-CAGCGG-C. GRCh37 (hg19) VCF-style: chr2-152426824-CAGCGG-C.
Other names: c.17196_17200del, p.Ile5732fs (NM_001164507.2, NM_001271208.2); c.12093_12097del, p.Ile4031fs (NM_004543.5); short protein forms I4031fs, I5732fs.
Identifiers: ClinVar variation 651742 (VCV000651742.6), dbSNP rs1578011278, ClinGen allele CA915942944.

ClinVar aggregate classification (germline): Pathogenic (1 of 4 stars; one submission).

Conditions:
Nemaline myopathy 2 (NEM2). Also called: Nemaline myopathy 2, autosomal recessive. Identifiers: MedGen C1850569, MONDO:0009725, OMIM 256030.

Submission:

Labcorp Genetics (formerly Invitae), Labcorp
Classification: Pathogenic for Nemaline myopathy 2. Last evaluated: 2025-01-16. Review status: criteria provided, single submitter. Criteria: Invitae Variant Classification Sherloc (09022015). Collection method: clinical testing. Allele origin: germline.
Comment: This sequence change creates a premature translational stop signal (p.Ile5732Metfs*6) in the NEB gene. It is expected to result in an absent or disrupted protein product. Loss-of-function variants in NEB are known to be pathogenic (PMID: 25205138). This variant is not present in population databases (gnomAD no frequency). This variant has not been reported in the literature in individuals affected with NEB-related conditions. ClinVar contains an entry for this variant (Variation ID: 651742). For these reasons, this variant has been classified as Pathogenic.

Literature cited by the submitters: PubMed 25205138.